The following is an entry in ClinVar:

ClinVar aggregate classification (germline): Uncertain significance (1 of 4 stars; one submission).

Submission:

Laboratory for Molecular Medicine, Mass General Brigham Personalized Medicine
Classification: Uncertain significance. Last evaluated: 2012-10-17. Review status: criteria provided, single submitter. Criteria: LMM Criteria. Collection method: clinical testing. Allele origin: germline. Observed: 2 variant alleles.
Comment: Coverage of this position by the NHLBI Exome Sequencing Project was unavailable. This frameshift variant is pre dicted to alter the protein?s amino acid sequence beginning at position 5463 and lead to a premature termination codon 15 amino acids downstream. This variant i s located in the last exon of an alternative transcript (Novex-3) and is expecte d to result in a truncated protein. Although similar variants are common in DCM patients (Herman 2012), the function of the Novex-3 transcript is unclear and t hus additional data is needed to establish the clinical significance of this var iant.

NM_133379.5(TTN):c.16387_16390del (p.Ile5463fs)

Gene: TTN (titin; minus strand). Cytogenetic location: 2q31.2.
Variant type: Deletion.
Coding change: c.16387_16390del on transcript NM_133379.5 (MANE Plus Clinical); coding-DNA positions 16387 to 16390, 4 bases deleted (ATCT; older notation c.16387_16390delATCT).
Protein change: p.Ile5463fs; shifts the reading frame from isoleucine 5463.
Molecular consequence: frameshift variant. On other transcripts: intron variant (6).
Genome position (GRCh38, 1-based): chr2:178,746,010-178,746,013, AGAT deleted on the plus strand (ATCT on the coding strand, the reverse complement: TTN is on the minus strand); deleting any 4 consecutive bases within chr2:178,746,010-178,746,015 gives the same sequence; the c. name uses the placement nearest the transcript's 3' end. VCF-style (leftmost placement, unchanged base first): chr2-178746009-CAGAT-C. GRCh37 (hg19) VCF-style: chr2-179610736-CAGAT-C.
Other names: c.10223-4092_10223-4089del (NM_003319.4); c.10799-4092_10799-4089del (NM_133437.4); c.10598-4092_10598-4089del (NM_133432.3); c.10360+7111_10360+7114del (NM_133378.4); c.10361-4092_10361-4089del (NM_001256850.1); c.11312-4092_11312-4089del (NM_001267550.2); short protein forms I5463fs.
Identifiers: ClinVar variation 47801 (VCV000047801.5), dbSNP rs397517822, ClinGen allele CA141934.